The following is an entry in ClinVar:

ClinVar aggregate classification (germline): Conflicting classifications of pathogenicity. Review status: criteria provided, conflicting classifications (1 of 4 stars). 6 submissions from 6 submitters: Pathogenic (2); Likely pathogenic (1); Uncertain significance (1). 2 of the submissions do not count toward it. Last evaluated 2026-03-12.

Conditions:
PRPH2-related disorder. Also called: PRPH2-related condition; PRPH2-related disorders. Identifiers: MedGen CN239395.

Allele frequency attached by ClinVar (database versions not stated): gnomAD exomes below 0.00001 and 0.00002; ExAC 0.00001; gnomAD 0.00001; TOPMed 0.00001.
gnomAD v4.1: 16 of 1,613,996 alleles (0.00099%); highest among the groups gnomAD compares: African/African-American, 0.0013%; no homozygotes.

Submissions (6):

GeneDx
Classification: Uncertain significance. Last evaluated: 2026-03-12. Review status: criteria provided, single submitter. Criteria: GeneDx Variant Classification Process June 2021. Collection method: clinical testing. Allele origin: germline.
Comment: Not observed at significant frequency in large population cohorts (gnomAD); In silico analysis supports that this missense variant has a deleterious effect on protein structure/function; This variant is associated with the following publications: (PMID: 31964843, 34411390, 38219857, 9052636)

PreventionGenetics, part of Exact Sciences
Classification: Likely pathogenic for PRPH2-related condition. Last evaluated: 2026-02-10. Review status: criteria provided, single submitter. Criteria: ACMG Guidelines, 2015. Collection method: clinical testing. Allele origin: germline.
Comment: The PRPH2 c.80C>T variant is predicted to result in the amino acid substitution p.Ser27Phe. This variant has been reported as segregating with disease in the heterozygous state in a kindred with cone dystrophy (Fishman et al. 1997. PubMed ID: 9052636) and in the heterozygous state in several other, unrelated individuals with retinal disease (Table S1, Lin et al. 2024. PubMed ID: 38219857). This variant is present in 0.0062% of alleles in individuals of African descent in gnomAD. This variant is interpreted as likely pathogenic for autosomal dominant disease.

Labcorp Genetics (formerly Invitae), Labcorp
Classification: Pathogenic for PRPH2-related disorder. Last evaluated: 2025-11-16. Review status: criteria provided, single submitter. Criteria: Invitae Variant Classification Sherloc (09022015). Collection method: clinical testing. Allele origin: germline.
Comment: This sequence change replaces serine, which is neutral and polar, with phenylalanine, which is neutral and non-polar, at codon 27 of the PRPH2 protein (p.Ser27Phe). This variant is present in population databases (rs61755766, gnomAD 0.007%). This missense change has been observed in individuals with clinical features of autosomal dominant cone dystrophy (PMID: 9052636; internal data). It has also been observed to segregate with disease in related individuals. ClinVar contains an entry for this variant (Variation ID: 98711). Invitae Evidence Modeling of protein sequence and biophysical properties (such as structural, functional, and spatial information, amino acid conservation, physicochemical variation, residue mobility, and thermodynamic stability) has been performed for this missense variant. However, the output from this modeling did not meet the statistical confidence thresholds required to predict the impact of this variant on PRPH2 protein function. For these reasons, this variant has been classified as Pathogenic.

Blueprint Genetics
Classification: Pathogenic for PRPH2-related disorders. Last evaluated: 2022-09-29. Review status: criteria provided, single submitter. Criteria: ACMG Guidelines, 2015. Collection method: clinical testing. Allele origin: germline. Affected: yes. Observed: 5 variant alleles.

Leiden Open Variation Database
Classification: Likely pathogenic. Last evaluated: 2021-04-06. Review status: no assertion criteria provided. Collection method: curation. Allele origin: germline. Affected: yes. Not counted in ClinVar's aggregate classification.
Comment: Curator: Global Variome, with Curator vacancy. Submitter to LOVD: Manon Peeters.

Retina International
No classification provided. Review status: no classification provided. Collection method: not provided. Allele origin: not provided. Not counted in ClinVar's aggregate classification.

Literature cited by the submitters: PubMed 9052636 (cited by Labcorp Genetics (formerly Invitae), Labcorp and Leiden Open Variation Database).

NM_000322.5(PRPH2):c.80C>T (p.Ser27Phe)

Gene: PRPH2 (peripherin 2; minus strand). Cytogenetic location: 6p21.1.
Variant type: single nucleotide variant.
Coding change: c.80C>T on transcript NM_000322.5 (MANE Select); coding-DNA position 80, C replaced by T.
Protein change: p.Ser27Phe; replaces serine 27 with phenylalanine.
Molecular consequence: missense variant.
Genome position (GRCh38, 1-based): chr6:42,722,255, G>A on the plus strand (C>T on the coding strand, the complement: PRPH2 is on the minus strand). VCF-style: chr6-42722255-G-A. GRCh37 (hg19) VCF-style: chr6-42689993-G-A.
Other names: short protein forms S27F.
Identifiers: ClinVar variation 98711 (VCV000098711.15), dbSNP rs61755766, ClinGen allele CA226316.